The following is an entry in ClinVar:

NM_013266.4(CTNNA3):c.2098G>A (p.Asp700Asn)

Gene: CTNNA3 (catenin alpha 3; minus strand). Cytogenetic location: 10q21.3.
Variant type: single nucleotide variant.
Coding change: c.2098G>A on transcript NM_013266.4 (MANE Select); coding-DNA position 2098, G replaced by A.
Protein change: p.Asp700Asn; replaces aspartic acid 700 with asparagine.
Molecular consequence: missense variant.
Genome position (GRCh38, 1-based): chr10:66,069,369, C>T on the plus strand (G>A on the coding strand, the complement: CTNNA3 is on the minus strand). VCF-style: chr10-66069369-C-T. GRCh37 (hg19) VCF-style: chr10-67829127-C-T.
Other names: c.2098G>A, p.Asp700Asn (NM_001127384.3); short protein forms D700N.
Identifiers: ClinVar variation 936080 (VCV000936080.14), dbSNP rs570471424, ClinGen allele CA5519704.

ClinVar aggregate classification (germline): Uncertain significance. Review status: criteria provided, multiple submitters, no conflicts (2 of 4 stars). 5 submissions from 5 submitters: Uncertain significance (2). 3 of the submissions do not count toward it. Last evaluated 2026-01-17.

Conditions:
CTNNA3-related disorder. Also called: CTNNA3-related condition.
Arrhythmogenic right ventricular dysplasia 13. Also called: ARRHYTHMOGENIC RIGHT VENTRICULAR CARDIOMYOPATHY 13; Arrhythmogenic right ventricular dysplasia, familial, 13. Identifiers: MedGen C3810138, MONDO:0000908, OMIM 615616.

Allele frequency attached by ClinVar (database versions not stated): gnomAD exomes 0.00001 and 0.00005; ExAC 0.00003; gnomAD 0.00003; TOPMed 0.00003.
gnomAD v4.1: 25 of 1,613,544 alleles (0.0015%); highest among the groups gnomAD compares: Non-Finnish European, 0.0019%; no homozygotes.

Submissions (5):

Labcorp Genetics (formerly Invitae), Labcorp
Classification: Uncertain significance for Arrhythmogenic right ventricular dysplasia 13. Last evaluated: 2026-01-17. Review status: criteria provided, single submitter. Criteria: Invitae Variant Classification Sherloc (09022015). Collection method: clinical testing. Allele origin: germline.
Comment: This sequence change replaces aspartic acid, which is acidic and polar, with asparagine, which is neutral and polar, at codon 700 of the CTNNA3 protein (p.Asp700Asn). This variant is present in population databases (rs570471424, gnomAD 0.009%). This variant has not been reported in the literature in individuals affected with CTNNA3-related conditions. ClinVar contains an entry for this variant (Variation ID: 936080). Invitae Evidence Modeling of protein sequence and biophysical properties (such as structural, functional, and spatial information, amino acid conservation, physicochemical variation, residue mobility, and thermodynamic stability) indicates that this missense variant is expected to disrupt CTNNA3 protein function with a positive predictive value of 80%. In summary, the available evidence is currently insufficient to determine the role of this variant in disease. Therefore, it has been classified as a Variant of Uncertain Significance.

Ambry Genetics
Classification: Uncertain significance. Last evaluated: 2024-02-22. Review status: criteria provided, single submitter. Criteria: Ambry Variant Classification Scheme 2023. Collection method: clinical testing. Allele origin: germline.
Comment: The p.D700N variant (also known as c.2098G>A), located in coding exon 14 of the CTNNA3 gene, results from a G to A substitution at nucleotide position 2098. The aspartic acid at codon 700 is replaced by asparagine, an amino acid with highly similar properties. This amino acid position is conserved. In addition, this alteration is predicted to be tolerated by in silico analysis. Since supporting evidence is limited at this time, the clinical significance of this alteration remains unclear.

PreventionGenetics, part of Exact Sciences
Classification: Uncertain significance for CTNNA3-related condition. Last evaluated: 2024-01-08. Review status: no assertion criteria provided. Collection method: clinical testing. Allele origin: germline. Not counted in ClinVar's aggregate classification.
Comment: The CTNNA3 c.2098G>A variant is predicted to result in the amino acid substitution p.Asp700Asn. To our knowledge, this variant has not been reported in the literature. This variant is reported in 0.0085% of alleles in individuals of European (Non-Finnish) descent in gnomAD. At this time, the clinical significance of this variant is uncertain due to the absence of conclusive functional and genetic evidence.

Clinical Genetics DNA and cytogenetics Diagnostics Lab, Erasmus MC, Erasmus Medical Center
Classification: Uncertain significance. Review status: no assertion criteria provided. Collection method: clinical testing. Allele origin: germline. Affected: yes. Study: VKGL Data-share Consensus. Not counted in ClinVar's aggregate classification.

Diagnostic Laboratory, Department of Genetics, University Medical Center Groningen
Classification: Uncertain significance. Review status: no assertion criteria provided. Collection method: clinical testing. Allele origin: germline. Affected: yes. Study: VKGL Data-share Consensus. Not counted in ClinVar's aggregate classification.